The following is an entry in ClinVar:

NM_001267550.2(TTN):c.48605G>C (p.Trp16202Ser)

Genes: TTN (titin; minus strand), TTN-AS1 (TTN antisense RNA 1; plus strand). Cytogenetic location: 2q31.2.
Variant type: single nucleotide variant.
Coding change: c.48605G>C on transcript NM_001267550.2 (MANE Select); coding-DNA position 48605, G replaced by C.
Protein change: p.Trp16202Ser; replaces tryptophan 16202 with serine.
Molecular consequence: missense variant. On other transcripts: non-coding transcript variant (1).
Genome position (GRCh38, 1-based): chr2:178,615,340, C>G on the plus strand (G>C on the coding strand, the complement: TTN is on the minus strand). VCF-style: chr2-178615340-C-G. GRCh37 (hg19) VCF-style: chr2-179480067-C-G.
Other names: c.43682G>C, p.Trp14561Ser (NM_001256850.1); c.21410G>C, p.Trp7137Ser (NM_003319.4); c.40901G>C, p.Trp13634Ser (NM_133378.4); c.21785G>C, p.Trp7262Ser (NM_133432.3); c.21986G>C, p.Trp7329Ser (NM_133437.4); short protein forms W13634S, W14561S, W16202S, W7137S, W7262S, W7329S.
Identifiers: ClinVar variation 2438349 (VCV002438349.4), dbSNP rs2470732425, ClinGen allele CA349608875.
Genomic context (GRCh38, chr2:178,615,340, plus strand): 5'-TACTCTCATGCCAAATTAAAAACCTACTTTGTTTCTGCAACAGGTTCTCCACAGGCAACC[C>G]ATTTATCAGAACCACGTGGACATCTTTCAACTATATATCCTTTGATGCGTGAACCACCAT-3'
Protein context (NP_001254479.2, residues 16192-16212): VERCPRGSDK[Trp16202Ser]VACGEPVAET

ClinVar aggregate classification (germline): Uncertain significance. Review status: criteria provided, multiple submitters, no conflicts (2 of 4 stars). 2 submissions from 2 submitters: Uncertain significance (2). Last evaluated 2022-09-08.

Allele frequency attached by ClinVar (database versions not stated): gnomAD exomes below 0.00001.

Submissions (2):

GeneDx
Classification: Uncertain significance. Last evaluated: 2022-09-08. Review status: criteria provided, single submitter. Criteria: GeneDx Variant Classification Process June 2021. Collection method: clinical testing. Allele origin: germline. Affected: yes.
Comment: Not observed at significant frequency in large population cohorts (gnomAD); Missense variant in a gene in which most reported pathogenic variants are truncating/loss of function; Has not been previously published as pathogenic or benign to our knowledge

Revvity Omics, Revvity
Classification: Uncertain significance. Last evaluated: 2021-11-01. Review status: criteria provided, single submitter. Criteria: ACMG Guidelines, 2015. Collection method: clinical testing. Allele origin: germline.